The following is an entry in ClinVar:

ClinVar aggregate classification (germline): Uncertain significance (1 of 4 stars; one submission).

Conditions:
Hereditary spastic paraplegia 75. Also called: Spastic paraplegia 75, autosomal recessive. Identifiers: Orphanet 459056, MedGen C4225250, MONDO:0014729, OMIM 616680.

Allele frequency attached by ClinVar (database versions not stated): gnomAD 0.00003; ExAC 0.00004; TOPMed 0.00008.

Submission:

Labcorp Genetics (formerly Invitae), Labcorp
Classification: Uncertain significance for Hereditary spastic paraplegia 75. Last evaluated: 2022-04-18. Review status: criteria provided, single submitter. Criteria: Invitae Variant Classification Sherloc (09022015). Collection method: clinical testing. Allele origin: germline.
Comment: This sequence change falls in intron 3 of the MAG gene. It does not directly change the encoded amino acid sequence of the MAG protein. It affects a nucleotide within the consensus splice site. This variant is present in population databases (rs776417086, gnomAD 0.02%). This variant has not been reported in the literature in individuals affected with MAG-related conditions. Variants that disrupt the consensus splice site are a relatively common cause of aberrant splicing (PMID: 17576681, 9536098). Algorithms developed to predict the effect of sequence changes on RNA splicing suggest that this variant is not likely to affect RNA splicing. In summary, the available evidence is currently insufficient to determine the role of this variant in disease. Therefore, it has been classified as a Variant of Uncertain Significance.

Literature cited by the submitters: PubMed 17576681; PubMed 9536098.

NM_002361.4(MAG):c.46+6G>A

Gene: MAG (myelin associated glycoprotein; plus strand). Cytogenetic location: 19q13.12.
Variant type: single nucleotide variant.
Coding change: c.46+6G>A on transcript NM_002361.4 (MANE Select); 6 bases into the intron after coding-DNA position 46, G replaced by A.
Molecular consequence: intron variant. On other transcripts: 5 prime UTR variant (1).
Genome position (GRCh38, 1-based): chr19:35,295,460, G>A. VCF-style: chr19-35295460-G-A. GRCh37 (hg19) VCF-style: chr19-35786363-G-A.
Other names: c.-80G>A (NM_001199216.2); c.46+6G>A (NM_080600.3).
Identifiers: ClinVar variation 1916941 (VCV001916941.2), dbSNP rs776417086, ClinGen allele CA9375895.